The following is an entry in ClinVar:

ClinVar aggregate classification (germline): Uncertain significance (1 of 4 stars; one submission).

Conditions:
Tuberous sclerosis 2 (TSC2). Identifiers: Orphanet 805, MedGen C1860707, MONDO:0013199, OMIM 613254.

Submission:

Labcorp Genetics (formerly Invitae), Labcorp
Classification: Uncertain significance for Tuberous sclerosis 2. Last evaluated: 2021-11-30. Review status: criteria provided, single submitter. Criteria: Invitae Variant Classification Sherloc (09022015). Collection method: clinical testing. Allele origin: germline.
Comment: In summary, the available evidence is currently insufficient to determine the role of this variant in disease. Therefore, it has been classified as a Variant of Uncertain Significance. Experimental studies and prediction algorithms are not available or were not evaluated, and the functional significance of this variant is currently unknown. This variant has not been reported in the literature in individuals affected with TSC2-related conditions. This variant is not present in population databases (gnomAD no frequency). This variant, c.5117_5122del, results in the deletion of 2 amino acid(s) of the TSC2 protein (p.Arg1706_Asn1707del), but otherwise preserves the integrity of the reading frame.

NM_000548.5(TSC2):c.5117_5122del (p.Arg1706_Asn1707del)

Gene: TSC2 (TSC complex subunit 2; plus strand). Cytogenetic location: 16p13.3.
Variant type: Deletion.
Coding change: c.5117_5122del on transcript NM_000548.5 (MANE Select); coding-DNA positions 5117 to 5122, 6 bases deleted (GCAACC; older notation c.5117_5122delGCAACC).
Protein change: p.Arg1706_Asn1707del.
Molecular consequence: inframe deletion.
Genome position (GRCh38, 1-based): chr16:2,088,096-2,088,101, GCAACC deleted; deleting any 6 consecutive bases within chr16:2,088,093-2,088,101 gives the same sequence; the c. name uses the placement nearest the transcript's 3' end. VCF-style (leftmost placement, unchanged base first): chr16-2088092-GACCGCA-G. GRCh37 (hg19) VCF-style: chr16-2138093-GACCGCA-G.
Other names: c.4988_4993del, p.Arg1663_Asn1664del (NM_001370405.1, NM_021055.3); c.4916_4921del, p.Arg1639_Asn1640del (NM_001077183.3); c.5048_5053del, p.Arg1683_Asn1684del (NM_001114382.3); c.4808_4813del, p.Arg1603_Asn1604del (NM_001318827.2); c.4772_4777del, p.Arg1591_Asn1592del (NM_001318829.2); c.4385_4390del, p.Arg1462_Asn1463del (NM_001318831.2); c.4949_4954del, p.Arg1650_Asn1651del (NM_001318832.2); c.4919_4924del, p.Arg1640_Asn1641del (NM_001363528.2); and 1 more.
Identifiers: ClinVar variation 1449511 (VCV001449511.6), dbSNP rs2151621544, ClinGen allele CA2573151972.
Genomic context (GRCh38, chr16:2,088,092, plus strand): 5'-CACCAAGTCTCCCCAGACATGGAGGGCCTTGTGGACACCAGCGTGGCCAAGATCGTGTCT[GACCGCA>G]ACCTGCCCTTCGTGGCCCGCCAGATGGCCCTGCACGCAAATGTGAGTGGGGGTGGGTCCA-3'